The following is an entry in ClinVar:

ClinVar aggregate classification (germline): Pathogenic (1 of 4 stars; one submission).

Submission:

Quest Diagnostics Nichols Institute San Juan Capistrano
Classification: Pathogenic. Last evaluated: 2022-02-17. Review status: criteria provided, single submitter. Criteria: ACMG/ClinGen CNV Guidelines, 2019. Collection method: clinical testing. Allele origin: unknown.
Comment: The terminal deletion of 16p13.3 involves several protein-coding genes, including HBA1 (OMIM 141800), HBA2 (OMIM 141850), and SOX8 (OMIM 605923). Copy number losses in this region are associated with autosomal dominant chromosome 16-related alpha-thalassemia/intellectual disability syndrome (ATR-16; OMIM 141750), which is characterized by a variable phenotype which can include mild to moderate intellectual disability (ID), developmental disorders (DD), nonspecific dysmorphic features, alpha-thalassemia (OMIM 604131), and hemoglobin H disease (HBH; OMIM 613978). While SOX8 has been proposed as the critical element for ID in ATR-16 (Pheifer 2000), there are conflicting reports demonstrating that SOX8 involvement is neither necessary nor sufficient to cause ID (Bezerra 2008, Gibbons 2012). Additionally, heterozygous sequence variants of HBA1 and HBA2 are associated with autosomal dominant Heinz body anemias (OMIM 140700) and autosomal dominant familial erythrocytosis-7 (ECYT7; OMIM 617981), while heterozygous sequence variants of NPRL3 (OMIM 600928), STUB1 (OMIM 607207), and CACNA1H (OMIM 607904) are associated with autosomal dominant familial focal epilepsy with variable foci (FFEVF; OMIM 617118), spinocerebellarataxia-48 (SCA48; OMIM 618093), and familial hyperaldosteronism type IV (HALD4; OMIM 617027) respectively. As hemizygous deletions of this interval have been associated with a clinical phenotype, and there are no similar copy number losses of this region in the general populations of the Database of Genomic Variants, the classification of this copy number variant (CNV) is pathogenic.

GRCh37/hg19 16p13.3(chr16:85881-1350186)x1

Genes: ANTKMT (adenine nucleotide translocase lysine methyltransferase; plus strand), ARHGDIG (Rho GDP dissociation inhibitor gamma; plus strand), AXIN1 (axin 1; minus strand), C1QTNF8 (C1q and TNF related 8; minus strand), CACNA1H (calcium voltage-gated channel subunit alpha1 H; plus strand) and 50 more. Cytogenetic location: 16p13.3.
Variant type: copy number loss.
Change: copy number 1 (one copy instead of two) of chr16:85,881-1,350,186 (1.26 Mb, GRCh37 coordinates, 1-based), cytogenetic band 16p13.3.
Identifiers: ClinVar variation 1808731 (VCV001808731.1).